The following is an entry in ClinVar:

NM_001200.4(BMP2):c.872G>A (p.Arg291His)

Gene: BMP2 (bone morphogenetic protein 2; plus strand). Cytogenetic location: 20p12.3.
Variant type: single nucleotide variant.
Coding change: c.872G>A on transcript NM_001200.4 (MANE Select); coding-DNA position 872, G replaced by A.
Protein change: p.Arg291His; replaces arginine 291 with histidine.
Molecular consequence: missense variant.
Genome position (GRCh38, 1-based): chr20:6,778,770, G>A. VCF-style: chr20-6778770-G-A. GRCh37 (hg19) VCF-style: chr20-6759417-G-A.
Other names: c.872G>A (NM_001200.2); short protein forms R291H.
Identifiers: ClinVar variation 1361190 (VCV001361190.9), dbSNP rs765038230, ClinGen allele CA9758758.

ClinVar aggregate classification (germline): Uncertain significance. Review status: criteria provided, multiple submitters, no conflicts (2 of 4 stars). 2 submissions from 2 submitters: Uncertain significance (2). Last evaluated 2025-08-02.

Conditions:
Inborn genetic diseases. Identifiers: MedGen C0950123, MeSH D030342.

Allele frequency attached by ClinVar (database versions not stated): gnomAD exomes below 0.00001 and 0.00002; ExAC 0.00001; gnomAD 0.00001; TOPMed 0.00001.
gnomAD v4.1: 26 of 1,614,060 alleles (0.0016%); highest among the groups gnomAD compares: Non-Finnish European, 0.002%; no homozygotes.

Submissions (2):

Ambry Genetics
Classification: Uncertain significance for Inborn genetic diseases. Last evaluated: 2025-08-02. Review status: criteria provided, single submitter. Criteria: Ambry Variant Classification Scheme 2023. Collection method: clinical testing. Allele origin: germline.

Labcorp Genetics (formerly Invitae), Labcorp
Classification: Uncertain significance. Last evaluated: 2021-06-14. Review status: criteria provided, single submitter. Criteria: Invitae Variant Classification Sherloc (09022015). Collection method: clinical testing. Allele origin: germline.
Comment: In summary, the available evidence is currently insufficient to determine the role of this variant in disease. Therefore, it has been classified as a Variant of Uncertain Significance. Algorithms developed to predict the effect of missense changes on protein structure and function are either unavailable or do not agree on the potential impact of this missense change (SIFT: "Not Available"; PolyPhen-2: "Possibly Damaging"; Align-GVGD: "Not Available"). This sequence change replaces arginine with histidine at codon 291 of the BMP2 protein (p.Arg291His). The arginine residue is moderately conserved and there is a small physicochemical difference between arginine and histidine. This variant is present in population databases (rs765038230, ExAC 0.001%). This variant has not been reported in the literature in individuals with BMP2-related conditions.